The following is an entry in ClinVar:

NM_000368.5(TSC1):c.1939G>A (p.Glu647Lys)

Gene: TSC1 (TSC complex subunit 1; minus strand). Cytogenetic location: 9q34.13.
Variant type: single nucleotide variant.
Coding change: c.1939G>A on transcript NM_000368.5 (MANE Select); coding-DNA position 1939, G replaced by A.
Protein change: p.Glu647Lys; replaces glutamic acid 647 with lysine.
Molecular consequence: missense variant.
Genome position (GRCh38, 1-based): chr9:132,905,639, C>T on the plus strand (G>A on the coding strand, the complement: TSC1 is on the minus strand). VCF-style: chr9-132905639-C-T. GRCh37 (hg19) VCF-style: chr9-135781026-C-T.
Other names: c.1936G>A, p.Glu646Lys (NM_001162426.2); c.1786G>A, p.Glu596Lys (NM_001162427.2); c.1576G>A, p.Glu526Lys (NM_001362177.2); short protein forms E647K, E526K, E596K, E646K.
Identifiers: ClinVar variation 580701 (VCV000580701.8), dbSNP rs1171512070, ClinGen allele CA375362540.
Genomic context (GRCh38, chr9:132,905,639, plus strand): 5'-ACTTGTTCAGCTCCTTGCTGTGCGCGTCTGCTCCCTGCTGTATCAGTCTGTCCAGCACTT[C>T]CATTGGGGAGGTAGAGGGCACACCATCTTCCTCTGTGTTTCCTTTTGCTTTCTTTAACAG-3'
Protein context (NP_000359.1, residues 637-657): EDGVPSTSPM[Glu647Lys]VLDRLIQQGA

ClinVar aggregate classification (germline): Uncertain significance (1 of 4 stars; one submission).

Conditions:
Tuberous sclerosis 1 (TSC1). Identifiers: Orphanet 805, MedGen C1854465, MONDO:0008612, OMIM 191100.

Allele frequency attached by ClinVar (database versions not stated): gnomAD exomes below 0.00001.
gnomAD v4.1: 1 of 1,614,176 alleles (0.000062%); highest among the groups gnomAD compares: African/African-American, 0.0013%; no homozygotes.

Submission:

Labcorp Genetics (formerly Invitae), Labcorp
Classification: Uncertain significance for Tuberous sclerosis 1. Last evaluated: 2025-08-09. Review status: criteria provided, single submitter. Criteria: Invitae Variant Classification Sherloc (09022015). Collection method: clinical testing. Allele origin: germline.
Comment: This sequence change replaces glutamic acid, which is acidic and polar, with lysine, which is basic and polar, at codon 647 of the TSC1 protein (p.Glu647Lys). This variant is not present in population databases (gnomAD no frequency). This variant has not been reported in the literature in individuals affected with TSC1-related conditions. ClinVar contains an entry for this variant (Variation ID: 580701). Invitae Evidence Modeling of protein sequence and biophysical properties (such as structural, functional, and spatial information, amino acid conservation, physicochemical variation, residue mobility, and thermodynamic stability) indicates that this missense variant is not expected to disrupt TSC1 protein function with a negative predictive value of 95%. In summary, the available evidence is currently insufficient to determine the role of this variant in disease. Therefore, it has been classified as a Variant of Uncertain Significance.